The following is an entry in ClinVar:

ClinVar aggregate classification (germline): Uncertain significance (1 of 4 stars; one submission).

Conditions:
Desbuquois dysplasia 1 (DBQD1). Also called: DESBUQUOIS DYSPLASIA 1, KIM VARIANT; MICROMELIC DWARFISM WITH VERTEBRAL AND METAPHYSEAL ABNORMALITIES AND ADVANCED CARPOTARSAL OSSIFICATION. Identifiers: Orphanet 1425, MedGen C4012146, MONDO:0009629, OMIM 251450.

Allele frequency attached by ClinVar (database versions not stated): ExAC 0.00001; gnomAD 0.00001; gnomAD exomes 0.00001; TOPMed 0.00002.
gnomAD v4.1: 17 of 1,614,012 alleles (0.0011%); highest among the groups gnomAD compares: East Asian, 0.0089%; no homozygotes.

Submission:

Labcorp Genetics (formerly Invitae), Labcorp
Classification: Uncertain significance for Desbuquois dysplasia 1. Last evaluated: 2024-10-17. Review status: criteria provided, single submitter. Criteria: Invitae Variant Classification Sherloc (09022015). Collection method: clinical testing. Allele origin: germline.
Comment: This sequence change replaces valine, which is neutral and non-polar, with methionine, which is neutral and non-polar, at codon 318 of the XYLT1 protein (p.Val318Met). This variant is present in population databases (rs757513901, gnomAD 0.02%). This variant has not been reported in the literature in individuals affected with XYLT1-related conditions. Invitae Evidence Modeling of protein sequence and biophysical properties (such as structural, functional, and spatial information, amino acid conservation, physicochemical variation, residue mobility, and thermodynamic stability) indicates that this missense variant is not expected to disrupt XYLT1 protein function with a negative predictive value of 80%. In summary, the available evidence is currently insufficient to determine the role of this variant in disease. Therefore, it has been classified as a Variant of Uncertain Significance.

NM_022166.4(XYLT1):c.952G>A (p.Val318Met)

Gene: XYLT1 (xylosyltransferase 1; minus strand). Cytogenetic location: 16p12.3.
Variant type: single nucleotide variant.
Coding change: c.952G>A on transcript NM_022166.4 (MANE Select); coding-DNA position 952, G replaced by A.
Protein change: p.Val318Met; replaces valine 318 with methionine.
Molecular consequence: missense variant.
Genome position (GRCh38, 1-based): chr16:17,200,616, C>T on the plus strand (G>A on the coding strand, the complement: XYLT1 is on the minus strand). VCF-style: chr16-17200616-C-T. GRCh37 (hg19) VCF-style: chr16-17294473-C-T.
Other names: short protein forms V318M.
Identifiers: ClinVar variation 3003867 (VCV003003867.3), dbSNP rs757513901, ClinGen allele CA7928058.